The following is an entry in ClinVar:

ClinVar aggregate classification (germline): Uncertain significance (1 of 4 stars; one submission).

gnomAD v4.1: 1 of 1,614,086 alleles (0.000062%); highest among the groups gnomAD compares: Middle Eastern, 0.016%; no homozygotes.

Submission:

Labcorp Genetics (formerly Invitae), Labcorp
Classification: Uncertain significance. Last evaluated: 2025-09-28. Review status: criteria provided, single submitter. Criteria: Invitae Variant Classification Sherloc (09022015). Collection method: clinical testing. Allele origin: germline.
Comment: This sequence change replaces aspartic acid, which is acidic and polar, with glutamic acid, which is acidic and polar, at codon 521 of the FN1 protein (p.Asp521Glu). This variant is not present in population databases (gnomAD no frequency). This variant has not been reported in the literature in individuals affected with FN1-related conditions. An algorithm developed to predict the effect of missense changes on protein structure and function (PolyPhen-2) suggests that this variant is likely to be disruptive. In summary, the available evidence is currently insufficient to determine the role of this variant in disease. Therefore, it has been classified as a Variant of Uncertain Significance.

NM_212482.4(FN1):c.1563T>A (p.Asp521Glu)

Genes: FN1 (fibronectin 1; minus strand), LOC122861289 (Sharpr-MPRA regulatory region 10603; plus strand). Cytogenetic location: 2q35.
Variant type: single nucleotide variant.
Coding change: c.1563T>A on transcript NM_212482.4 (MANE Select); coding-DNA position 1563, T replaced by A.
Protein change: p.Asp521Glu; replaces aspartic acid 521 with glutamic acid.
Molecular consequence: missense variant.
Genome position (GRCh38, 1-based): chr2:215,420,785, A>T on the plus strand (T>A on the coding strand, the complement: FN1 is on the minus strand). VCF-style: chr2-215420785-A-T. GRCh37 (hg19) VCF-style: chr2-216285508-A-T.
Other names: c.1563T>A, p.Asp521Glu (NM_001306129.2, NM_001306130.2, NM_001306131.2 and 14 more transcripts); short protein forms D521E.
Identifiers: ClinVar variation 4772264 (VCV004772264.1).
Genomic context (GRCh38, chr2:215,420,785, plus strand): 5'-CAGCATGTGCCCCTCTTCATGACGCTTGTGGAATGTGTCGTTCACATTGTAAGTGATGTC[A>T]TCAACAATGCACTGATCTGTTTAGGAAACAGGTGGGTGAGTGAGAAACTTTTTAAAGTTC-3'
Protein context (NP_997647.2, residues 511-531): YSQLRDQCIV[Asp521Glu]DITYNVNDTF